The following is an entry in ClinVar:

NM_001378414.1(HDAC4):c.1642C>T (p.Arg548Trp)

Gene: HDAC4 (histone deacetylase 4; minus strand). Cytogenetic location: 2q37.3.
Variant type: single nucleotide variant.
Coding change: c.1642C>T on transcript NM_001378414.1 (MANE Select); coding-DNA position 1642, C replaced by T.
Protein change: p.Arg548Trp; replaces arginine 548 with tryptophan.
Molecular consequence: missense variant.
Genome position (GRCh38, 1-based): chr2:239,115,202, G>A on the plus strand (C>T on the coding strand, the complement: HDAC4 is on the minus strand). VCF-style: chr2-239115202-G-A. GRCh37 (hg19) VCF-style: chr2-240036898-G-A.
Other names: c.1642C>T, p.Arg548Trp (NM_001378415.1); c.1627C>T, p.Arg543Trp (NM_001378416.1, NM_001378417.1, NM_006037.4); short protein forms R548W, R543W.
Identifiers: ClinVar variation 2049389 (VCV002049389.8), dbSNP rs140814864, ClinGen allele CA2199737.

ClinVar aggregate classification (germline): Conflicting classifications of pathogenicity. Review status: criteria provided, conflicting classifications (1 of 4 stars). 2 submissions from 2 submitters: Uncertain significance (1); Likely benign (1). Last evaluated 2026-01-01.

Allele frequency attached by ClinVar (database versions not stated): TOPMed 0.00002; ExAC 0.00003; gnomAD 0.00003; gnomAD exomes 0.00003; ESP Exome Variant Server 0.00008; 1000 Genomes Project 30x 0.00016; 1000 Genomes Project 0.00020.
gnomAD v4.1: 43 of 1,611,658 alleles (0.0027%); highest among the groups gnomAD compares: South Asian, 0.0044%; no homozygotes.

Submissions (2):

CeGaT Center for Human Genetics Tuebingen
Classification: Likely benign. Last evaluated: 2026-01-01. Review status: criteria provided, single submitter. Criteria: CeGaT Center For Human Genetics Tuebingen Variant Classification Criteria Version 2. Collection method: clinical testing. Allele origin: germline. Affected: yes. Observed: 1 variant allele.
Comment: HDAC4: BS2

Labcorp Genetics (formerly Invitae), Labcorp
Classification: Uncertain significance. Last evaluated: 2022-08-22. Review status: criteria provided, single submitter. Criteria: Invitae Variant Classification Sherloc (09022015). Collection method: clinical testing. Allele origin: germline.
Comment: In summary, the available evidence is currently insufficient to determine the role of this variant in disease. Therefore, it has been classified as a Variant of Uncertain Significance. Algorithms developed to predict the effect of missense changes on protein structure and function are either unavailable or do not agree on the potential impact of this missense change (SIFT: "Deleterious"; PolyPhen-2: "Possibly Damaging"; Align-GVGD: "Class C0"). This variant has not been reported in the literature in individuals affected with HDAC4-related conditions. This variant is present in population databases (rs140814864, gnomAD 0.01%). This sequence change replaces arginine, which is basic and polar, with tryptophan, which is neutral and slightly polar, at codon 543 of the HDAC4 protein (p.Arg543Trp).